The following is an entry in ClinVar:

ClinVar aggregate classification (germline): Uncertain significance (1 of 4 stars; one submission).

Conditions:
Mucopolysaccharidosis, MPS-II (MPS2). Also called: Mucopolysaccharidosis type 2; IDS deficiency; Sulfoiduronate sulfatase deficiency; SIDS deficiency; Attenuated MPS (subtype; formerly known as mild MPS II); Severe MPS II. Identifiers: Orphanet 580, Orphanet 79388, MedGen C0026705, MONDO:0010674, OMIM 309900.

Submission:

Labcorp Genetics (formerly Invitae), Labcorp
Classification: Uncertain significance for Mucopolysaccharidosis, MPS-II. Last evaluated: 2024-02-05. Review status: criteria provided, single submitter. Criteria: Invitae Variant Classification Sherloc (09022015). Collection method: clinical testing. Allele origin: germline.
Comment: This sequence change replaces glutamic acid, which is acidic and polar, with glutamine, which is neutral and polar, at codon 193 of the IDS protein (p.Glu193Gln). This variant is not present in population databases (gnomAD no frequency). This variant has not been reported in the literature in individuals affected with IDS-related conditions. ClinVar contains an entry for this variant (Variation ID: 1721575). Advanced modeling of protein sequence and biophysical properties (such as structural, functional, and spatial information, amino acid conservation, physicochemical variation, residue mobility, and thermodynamic stability) performed at Invitae indicates that this missense variant is not expected to disrupt IDS protein function with a negative predictive value of 80%. In summary, the available evidence is currently insufficient to determine the role of this variant in disease. Therefore, it has been classified as a Variant of Uncertain Significance.

NM_000202.8(IDS):c.577G>C (p.Glu193Gln)

Genes: IDS (iduronate 2-sulfatase; minus strand), LOC106050102 (IDS recombination region; plus strand). Cytogenetic location: Xq28.
Variant type: single nucleotide variant.
Coding change: c.577G>C on transcript NM_000202.8 (MANE Select); coding-DNA position 577, G replaced by C.
Protein change: p.Glu193Gln; replaces glutamic acid 193 with glutamine.
Molecular consequence: missense variant. On other transcripts: non-coding transcript variant (1).
Genome position (GRCh38, 1-based): chrX:149,498,238, C>G on the plus strand (G>C on the coding strand, the complement: IDS is on the minus strand). VCF-style: chrX-149498238-C-G. GRCh37 (hg19) VCF-style: chrX-148579769-C-G.
Other names: c.307G>C, p.Glu103Gln (NM_001166550.4); c.577G>C, p.Glu193Gln (NM_006123.5); short protein forms E103Q, E193Q.
Identifiers: ClinVar variation 1721575 (VCV001721575.5), dbSNP rs2089452169, ClinGen allele CA414522452.